The following is an entry in ClinVar:

NM_016065.4(MRPS16):c.31G>T (p.Ala11Ser)

Genes: DNAJC9-AS1 (DNAJC9 and MRPS16 antisense RNA 1; plus strand), MRPS16 (mitochondrial ribosomal protein S16; minus strand). Cytogenetic location: 10q22.2.
Variant type: single nucleotide variant.
Coding change: c.31G>T on transcript NM_016065.4 (MANE Select); coding-DNA position 31, G replaced by T.
Protein change: p.Ala11Ser; replaces alanine 11 with serine.
Molecular consequence: missense variant.
Genome position (GRCh38, 1-based): chr10:73,252,006, C>A on the plus strand (G>T on the coding strand, the complement: MRPS16 is on the minus strand). VCF-style: chr10-73252006-C-A. GRCh37 (hg19) VCF-style: chr10-75011764-C-A.
Other names: c.31G>T (NM_016065.3); short protein forms A11S.
Identifiers: ClinVar variation 1427552 (VCV001427552.7), dbSNP rs370721283, ClinGen allele CA5553430.
Genomic context (GRCh38, chr10:73,252,006, plus strand): 5'-ACGGCCGATTGGTGCAGCCACCCAGGGCAAGGCGGATGGTTAAGTGGCCCCCACGGTAGG[C>A]CTTGCAGAGGAGAGTAGCTGTAGAAAAGCAGCTGGTTAGGACACAAAAAACAGCACAAAA-3'
Protein context (NP_057149.1, residues 1-21): MVHLTTLLCK[Ala11Ser]YRGGHLTIRL

ClinVar aggregate classification (germline): Conflicting classifications of pathogenicity. Review status: criteria provided, conflicting classifications (1 of 4 stars). 2 submissions from 2 submitters: Uncertain significance (1); Likely benign (1). Last evaluated 2025-08-14.

Allele frequency attached by ClinVar (database versions not stated): gnomAD 0.00003; TOPMed 0.00004; ESP Exome Variant Server 0.00008.
gnomAD v4.1: 8 of 1,613,814 alleles (0.0005%); highest among the groups gnomAD compares: African/African-American, 0.011%; no homozygotes.

Submissions (2):

Ambry Genetics
Classification: Likely benign. Last evaluated: 2025-08-14. Review status: criteria provided, single submitter. Criteria: Ambry Variant Classification Scheme 2023. Collection method: clinical testing. Allele origin: germline.

Labcorp Genetics (formerly Invitae), Labcorp
Classification: Uncertain significance. Last evaluated: 2021-08-12. Review status: criteria provided, single submitter. Criteria: Invitae Variant Classification Sherloc (09022015). Collection method: clinical testing. Allele origin: germline.
Comment: In summary, the available evidence is currently insufficient to determine the role of this variant in disease. Therefore, it has been classified as a Variant of Uncertain Significance. Algorithms developed to predict the effect of missense changes on protein structure and function output the following: SIFT: "Tolerated"; PolyPhen-2: "Benign"; Align-GVGD: "Class C0". The serine amino acid residue is found in multiple mammalian species, which suggests that this missense change does not adversely affect protein function. This variant has not been reported in the literature in individuals affected with MRPS16-related conditions. This variant is present in population databases (rs370721283, ExAC 0.01%). This sequence change replaces alanine with serine at codon 11 of the MRPS16 protein (p.Ala11Ser). The alanine residue is weakly conserved and there is a moderate physicochemical difference between alanine and serine.